The following is an entry in ClinVar:

NM_001365276.2(TNXB):c.3724G>A (p.Asp1242Asn)

Gene: TNXB (tenascin XB; minus strand). Cytogenetic location: 6p21.33.
Variant type: single nucleotide variant.
Coding change: c.3724G>A on transcript NM_001365276.2 (MANE Select); coding-DNA position 3724, G replaced by A.
Protein change: p.Asp1242Asn; replaces aspartic acid 1242 with asparagine.
Molecular consequence: missense variant.
Genome position (GRCh38, 1-based): chr6:32,082,048, C>T on the plus strand (G>A on the coding strand, the complement: TNXB is on the minus strand). VCF-style: chr6-32082048-C-T. GRCh37 (hg19) VCF-style: chr6-32049825-C-T.
Other names: c.3724G>A, p.Asp1242Asn (NM_019105.8); short protein forms D1242N.
Identifiers: ClinVar variation 1734323 (VCV001734323.4), dbSNP rs773796746, ClinGen allele CA3735131.

ClinVar aggregate classification (germline): Uncertain significance (1 of 4 stars; one submission).

Conditions:
Cardiovascular phenotype. Identifiers: MedGen CN230736.

gnomAD v4.1: 40 of 1,603,522 alleles (0.0025%); highest among the groups gnomAD compares: Admixed American, 0.043%; no homozygotes.

Submission:

Ambry Genetics
Classification: Uncertain significance for Cardiovascular phenotype. Last evaluated: 2025-05-24. Review status: criteria provided, single submitter. Criteria: Ambry Variant Classification Scheme 2023. Collection method: clinical testing. Allele origin: germline.
Comment: The p.D1242N variant (also known as c.3724G>A), located in coding exon 8 of the TNXB gene, results from a G to A substitution at nucleotide position 3724. The aspartic acid at codon 1242 is replaced by asparagine, an amino acid with highly similar properties. This amino acid position is conserved. In addition, this alteration is predicted to be tolerated by in silico analysis. Since supporting evidence is limited at this time, the clinical significance of this alteration remains unclear.